The following is an entry in ClinVar:

ClinVar aggregate classification (germline): Uncertain significance (1 of 4 stars; one submission).

Conditions:
PQBP1-related disorder. Also called: PQBP1-related condition.

Submissions (2):

PreventionGenetics, part of Exact Sciences
Classification: Uncertain significance for PQBP1-related condition. Last evaluated: 2022-12-22. Review status: criteria provided, single submitter. Criteria: ACMG Guidelines, 2015. Collection method: clinical testing. Allele origin: germline.
Comment: The PQBP1 c.490G>A variant is predicted to result in the amino acid substitution p.Gly164Arg. To our knowledge, this variant has not been reported in the literature or in a large population database, indicating this variant is rare. At this time, the clinical significance of this variant is uncertain due to the absence of conclusive functional and genetic evidence.

Dr. Peter K. Rogan Lab, Western University
No classification provided (evidence only). Condition: Hepatocellular carcinoma. Review status: no classification provided. Collection method: in vitro. Allele origin: not applicable. Functional consequence: retained intron. Not counted in ClinVar's aggregate classification.

NM_001032382.2(PQBP1):c.490G>A (p.Gly164Arg)

Gene: PQBP1 (polyglutamine binding protein 1; plus strand). Cytogenetic location: Xp11.23.
Variant type: single nucleotide variant.
Coding change: c.490G>A on transcript NM_001032382.2 (MANE Select); coding-DNA position 490, G replaced by A.
Protein change: p.Gly164Arg; replaces glycine 164 with arginine.
Molecular consequence: missense variant. On other transcripts: intron variant (2).
Genome position (GRCh38, 1-based): chrX:48,902,430, G>A. VCF-style: chrX-48902430-G-A. GRCh37 (hg19) VCF-style: chrX-48759707-G-A.
Other names: NC_000023.10:g.48759707G>A; c.490G>A, p.Gly164Arg (NM_001032381.2, NM_001032383.2, NM_001032384.1 and 2 more transcripts); c.466G>A, p.Gly156Arg (NM_001167990.2); c.293-302G>A (NM_144495.3); c.202-12G>A (NM_001167992.1); short protein forms G156R, G164R.
Identifiers: ClinVar variation 2637230 (VCV002637230.2), dbSNP rs2519620351, ClinGen allele CA412890422.